The following is an entry in ClinVar:

ClinVar aggregate classification (germline): Uncertain significance (1 of 4 stars; one submission).

Conditions:
Leukodystrophy, hypomyelinating, 15. Identifiers: MedGen C4693733, MONDO:0054782, OMIM 617951.

Submission:

Victorian Clinical Genetics Services, Murdoch Childrens Research Institute
Classification: Uncertain significance for Leukodystrophy, hypomyelinating, 15. Last evaluated: 2020-05-25. Review status: criteria provided, single submitter. Criteria: ACMG Guidelines, 2015. Collection method: clinical testing. Allele origin: germline. Inheritance: Autosomal recessive inheritance.
Comment: Based on the classification scheme VCGS_Germline_v1.1.0, this variant is classified as a 3B-VUS. Following criteria are met: 0102 - Loss-of-function is a known mechanism of disease for this gene. (N) 0106 - This gene is known to be associated with autosomal recessive disease. (N) 0200 - Variant is predicted to result in a missense amino acid change from a glutamine to a proline (exon 24). (N) 0251 - Variant is heterozygous. (N) 0301 - Variant is absent from gnomAD. (P) 0502 - Missense variant with conflicting in silico predictions and/or uninformative conservation. (N) 0600 - Variant is located in an annotated domain or motif (tRNA synthetase 2B domain; PDB, Decipher) (N) 0705 - No comparable variants have previous evidence for pathogenicity. (N) 0807 - Variant has not previously been reported in a clinical context. 0905 - No segregation evidence has been identified for this variant. (N) 1007 - No published functional evidence has been identified for this variant. (N) 1208 - Inheritance information for this variant is not currently available. (N) Legend: (P) - Pathogenic, (N) - Neutral, (B) - Benign

NM_004446.3(EPRS1):c.3404A>C (p.Gln1135Pro)

Gene: EPRS1 (glutamyl-prolyl-tRNA synthetase 1; minus strand). Cytogenetic location: 1q41.
Variant type: single nucleotide variant.
Coding change: c.3404A>C on transcript NM_004446.3 (MANE Select); coding-DNA position 3404, A replaced by C.
Protein change: p.Gln1135Pro; replaces glutamine 1135 with proline.
Molecular consequence: missense variant.
Genome position (GRCh38, 1-based): chr1:219,981,427, T>G on the plus strand (A>C on the coding strand, the complement: EPRS1 is on the minus strand). VCF-style: chr1-219981427-T-G. GRCh37 (hg19) VCF-style: chr1-220154769-T-G.
Other names: short protein forms Q1135P.
Identifiers: ClinVar variation 1805778 (VCV001805778.1), dbSNP rs2527964962, ClinGen allele CA344637121.